The following is an entry in ClinVar:

NM_004333.6(BRAF):c.1141-465C>T

Gene: BRAF (B-Raf proto-oncogene, serine/threonine kinase; minus strand). Cytogenetic location: 7q34.
Variant type: single nucleotide variant.
Coding change: c.1141-465C>T on transcript NM_004333.6 (MANE Select); 465 bases into the intron before coding-DNA position 1141, C replaced by T.
Molecular consequence: intron variant.
Genome position (GRCh38, 1-based): chr7:140,788,049, G>A on the plus strand (C>T on the coding strand, the complement: BRAF is on the minus strand). VCF-style: chr7-140788049-G-A. GRCh37 (hg19) VCF-style: chr7-140487849-G-A.
Other names: c.1141-465C>T (NM_001378474.1, NM_001378468.1, NM_001354609.2 and 3 more transcripts); c.1039-465C>T (NM_001378470.1); c.877-465C>T (NM_001378475.1); c.1141-4966C>T (NM_001378471.1); c.1150-465C>T (NM_001378467.1); c.985-465C>T (NM_001378472.1, NM_001378473.1).
Identifiers: ClinVar variation 2658044 (VCV002658044.24), dbSNP rs71645958, ClinGen allele CA168095450.
Genomic context (GRCh38, chr7:140,788,049, plus strand): 5'-GGATGGTAAAAGGAGGAAGAGCAACAGAAAGAATAACTAATGGATGCTGTGCTTCATACC[G>A]AGGTAATGGGATAATCTGTGTGGCAAACCGCTGTGGCACATGTTGACCTACGTAACAACC-3'

ClinVar aggregate classification (germline): Benign (1 of 4 stars; one submission).

Allele frequency attached by ClinVar (database versions not stated): gnomAD 0.00013; TOPMed 0.00016; 1000 Genomes Project 0.00060; 1000 Genomes Project 30x 0.00062.
gnomAD v4.1: 21 of 152,252 alleles (0.014%); highest among the groups gnomAD compares: East Asian, 0.25%; no homozygotes.

Submission:

CeGaT Center for Human Genetics Tuebingen
Classification: Benign. Last evaluated: 2025-10-01. Review status: criteria provided, single submitter. Criteria: CeGaT Center For Human Genetics Tuebingen Variant Classification Criteria Version 2. Collection method: clinical testing. Allele origin: germline. Affected: yes. Observed: 2 variant alleles.
Comment: BRAF: BS1, BS2